The following is an entry in ClinVar:

NM_004655.4(AXIN2):c.2316G>A (p.Gly772=)

Gene: AXIN2 (axin 2; minus strand). Cytogenetic location: 17q24.1.
Variant type: single nucleotide variant.
Coding change: c.2316G>A on transcript NM_004655.4 (MANE Select); coding-DNA position 2316, G replaced by A.
Protein change: p.Gly772=; no amino-acid change (glycine 772 retained).
Molecular consequence: synonymous variant.
Genome position (GRCh38, 1-based): chr17:65,534,001, C>T on the plus strand (G>A on the coding strand, the complement: AXIN2 is on the minus strand). VCF-style: chr17-65534001-C-T. GRCh37 (hg19) VCF-style: chr17-63530119-C-T.
Other names: c.2121G>A, p.Gly707= (NM_001363813.1).
Identifiers: ClinVar variation 753415 (VCV000753415.12), dbSNP rs1598093936, ClinGen allele CA501475955.

ClinVar aggregate classification (germline): Benign/Likely benign. Review status: criteria provided, multiple submitters, no conflicts (2 of 4 stars). 3 submissions from 3 submitters: Benign (1); Likely benign (2). Last evaluated 2024-10-21.

Conditions:
Hereditary cancer-predisposing syndrome. Also called: Hereditary Cancer Syndrome; Hereditary neoplastic syndrome; Neoplastic Syndromes, Hereditary; Tumor predisposition. Identifiers: Orphanet 140162, MedGen C0027672, MeSH D009386, MONDO:0015356.
Oligodontia-cancer predisposition syndrome. Also called: TOOTH AGENESIS-COLORECTAL CANCER SYNDROME. Identifiers: Orphanet 300576, MedGen C1837750, MONDO:0012075, OMIM 608615. Disease mechanism: loss of function.

Submissions (3):

Labcorp Genetics (formerly Invitae), Labcorp
Classification: Likely benign for Oligodontia-cancer predisposition syndrome. Last evaluated: 2024-10-21. Review status: criteria provided, single submitter. Criteria: Invitae Variant Classification Sherloc (09022015). Collection method: clinical testing. Allele origin: germline.

Myriad Genetics, Inc.
Classification: Benign for Oligodontia-cancer predisposition syndrome. Last evaluated: 2024-07-10. Review status: criteria provided, single submitter. Criteria: Myriad Autosomal Dominant, Autosomal Recessive and X-Linked Classification Criteria (2023). Collection method: clinical testing. Allele origin: unknown.
Comment: This variant is considered benign. This variant is a silent/synonymous amino acid change and it is not expected to impact splicing.

Ambry Genetics
Classification: Likely benign for Hereditary cancer-predisposing syndrome. Last evaluated: 2020-08-03. Review status: criteria provided, single submitter. Criteria: Ambry Variant Classification Scheme 2023. Collection method: clinical testing. Allele origin: germline.